The following is an entry in ClinVar:

NM_000179.3(MSH6):c.2708C>A (p.Pro903His)

Gene: MSH6 (mutS homolog 6; plus strand). Cytogenetic location: 2p16.3.
Variant type: single nucleotide variant.
Coding change: c.2708C>A on transcript NM_000179.3 (MANE Select); coding-DNA position 2708, C replaced by A.
Protein change: p.Pro903His; replaces proline 903 with histidine.
Molecular consequence: missense variant.
Genome position (GRCh38, 1-based): chr2:47,800,691, C>A. VCF-style: chr2-47800691-C-A. GRCh37 (hg19) VCF-style: chr2-48027830-C-A.
Other names: c.2318C>A, p.Pro773His (NM_001281492.2); c.1802C>A, p.Pro601His (NM_001281493.2, NM_001281494.2); short protein forms P903H, P601H, P773H.
Identifiers: ClinVar variation 419968 (VCV000419968.3), dbSNP rs1060502919, ClinGen allele CA16617683.
Genomic context (GRCh38, chr2:47,800,691, plus strand): 5'-AGTCTAAAATCCTTAAGCAGGTCATCTCTCTGCAGACAAAAAATCCTGAAGGTCGTTTTC[C>A]TGATTTGACTGTAGAATTGAACCGATGGGATACAGCCTTTGACCATGAAAAGGCTCGAAA-3'
Protein context (NP_000170.1, residues 893-913): LQTKNPEGRF[Pro903His]DLTVELNRWD

ClinVar aggregate classification (germline): Uncertain significance. Review status: criteria provided, multiple submitters, no conflicts (2 of 4 stars). 2 submissions from 2 submitters: Uncertain significance (2). Last evaluated 2024-04-01.

Conditions:
Hereditary cancer-predisposing syndrome. Also called: Hereditary neoplastic syndrome; Tumor predisposition; Neoplastic Syndromes, Hereditary; Hereditary Cancer Syndrome. Identifiers: Orphanet 140162, MedGen C0027672, MeSH D009386, MONDO:0015356.

Submissions (2):

Ambry Genetics
Classification: Uncertain significance for Hereditary cancer-predisposing syndrome. Last evaluated: 2024-04-01. Review status: criteria provided, single submitter. Criteria: Ambry Variant Classification Scheme 2023. Collection method: clinical testing. Allele origin: germline.
Comment: The p.P903H variant (also known as c.2708C>A), located in coding exon 4 of the MSH6 gene, results from a C to A substitution at nucleotide position 2708. The proline at codon 903 is replaced by histidine, an amino acid with similar properties. This amino acid position is conserved. In addition, this alteration is predicted to be deleterious by in silico analysis. Based on the available evidence, the clinical significance of this alteration remains unclear.

GeneDx
Classification: Uncertain significance. Last evaluated: 2016-10-05. Review status: criteria provided, single submitter. Criteria: GeneDx Variant Classification (06012015). Collection method: clinical testing. Allele origin: germline. Affected: yes.
Comment: This variant is denoted MSH6 c.2708C>A at the cDNA level, p.Pro903His (P903H) at the protein level, and results in the change of a Proline to a Histidine (CCT>CAT). This variant has not, to our knowledge, been published in the literature as pathogenic or benign. MSH6 Pro903His was not observed in approximately 6,500 individuals of European and African American ancestry in the NHLBI Exome Sequencing Project, suggesting it is not a common benign variant in these populations. Since Proline and Histidine differ in polarity, charge, size or other properties, this is considered a non-conservative amino acid substitution. MSH6 Pro903His occurs at a position that is conserved across species and is located in the MutS domain (Terui 2013). In silico analyses predict that this variant is probably damaging to protein structure and function. Based on currently available evidence, it is unclear whether MSH6 Pro903His is a pathogenic or benign variant. We consider it to be a variant of uncertain significance.